The following is an entry in ClinVar:

NM_001267550.2(TTN):c.35308+1G>T

Gene: TTN (titin; minus strand). Cytogenetic location: 2q31.2.
Variant type: single nucleotide variant.
Coding change: c.35308+1G>T on transcript NM_001267550.2 (MANE Select); the canonical splice donor site of the intron after coding-DNA position 35308, G replaced by T.
Molecular consequence: splice donor variant. On other transcripts: intron variant (3).
Genome position (GRCh38, 1-based): chr2:178,671,089, C>A on the plus strand (G>T on the coding strand, the complement: TTN is on the minus strand). VCF-style: chr2-178671089-C-A. GRCh37 (hg19) VCF-style: chr2-179535816-C-A.
Other names: c.13283-28772G>T (NM_003319.4); c.13859-28772G>T (NM_133437.4); c.13658-28772G>T (NM_133432.3); c.31405+1G>T (NM_133378.4); c.34186+1G>T (NM_001256850.1).
Identifiers: ClinVar variation 1438793 (VCV001438793.7), dbSNP rs1423135750, ClinGen allele CA349515170.
Genomic context (GRCh38, chr2:178,671,089, plus strand): 5'-TAAAGCAACCAAGGTGCTATTGTATGTAAAGTTAAGTAGTAATTTTTCACAAAGAAGATA[C>A]CTTTAGCTGGTGGCTCTTTTCGAGGAACAACTTTAGTGGGCGGTTTTTTTGGAGGGATGA-3'

ClinVar aggregate classification (germline): Conflicting classifications of pathogenicity. Review status: criteria provided, conflicting classifications (1 of 4 stars). 2 submissions from 2 submitters: Likely pathogenic (1); Uncertain significance (1). Last evaluated 2024-04-15.

Conditions:
Dilated cardiomyopathy 1G (CMD1G). Identifiers: Orphanet 154, MedGen C1858763, MONDO:0011400, OMIM 604145.
Autosomal recessive limb-girdle muscular dystrophy type 2J (LGMDR10). Also called: Limb-girdle muscular dystrophy, type 2J; MUSCULAR DYSTROPHY, LIMB-GIRDLE, AUTOSOMAL RECESSIVE 10. Identifiers: Orphanet 140922, MedGen C1837342, MONDO:0012127, OMIM 608807.

gnomAD v4.1: 6 of 1,601,172 alleles (0.00037%); highest among the groups gnomAD compares: Non-Finnish European, 0.00051%; no homozygotes.

Submissions (2):

Labcorp Genetics (formerly Invitae), Labcorp
Classification: Likely pathogenic for Dilated cardiomyopathy 1G; Autosomal recessive limb-girdle muscular dystrophy type 2J. Last evaluated: 2024-04-15. Review status: criteria provided, single submitter. Criteria: Invitae Variant Classification Sherloc (09022015). Collection method: clinical testing. Allele origin: germline.
Comment: This sequence change affects a donor splice site in intron 156 of the TTN gene. It is expected to disrupt RNA splicing and likely results in a truncated or disrupted TTN protein. This variant is not present in population databases (gnomAD no frequency). Disruption of this splice site has been observed in individual(s) with hypertrophic cardiomyopathy (PMID: 22335739). ClinVar contains an entry for this variant (Variation ID: 1438793). Algorithms developed to predict the effect of sequence changes on RNA splicing suggest that this variant may disrupt the consensus splice site. This variant is located in the I band of TTN (PMID: 25589632). Truncating variants in this region have been reported in individuals affected with autosomal recessive centronuclear myopathy (PMID: 23975875, Invitae internal data). Truncating variants in this region have also been identified in individuals affected with autosomal dominant dilated cardiomyopathy and/or cardio-related conditions (PMID: 27869827, 32964742, Invitae internal data). In summary, the currently available evidence indicates that the variant is pathogenic, but additional data are needed to prove that conclusively. Therefore, this variant has been classified as Likely Pathogenic.

Revvity Omics, Revvity
Classification: Uncertain significance. Last evaluated: 2023-12-11. Review status: criteria provided, single submitter. Criteria: ACMG Guidelines, 2015. Collection method: clinical testing. Allele origin: germline.

Literature cited by the submitters: PubMed 22335739 (cited by Labcorp Genetics (formerly Invitae), Labcorp); PubMed 25589632 (cited by Labcorp Genetics (formerly Invitae), Labcorp); PubMed 23975875 (cited by Labcorp Genetics (formerly Invitae), Labcorp); PubMed 27869827 (cited by Labcorp Genetics (formerly Invitae), Labcorp); PubMed 32964742 (cited by Labcorp Genetics (formerly Invitae), Labcorp).